The following is an entry in ClinVar:

ClinVar aggregate classification (germline): Uncertain significance (1 of 4 stars; one submission).

Conditions:
Hereditary cancer-predisposing syndrome. Also called: Tumor predisposition; Hereditary Cancer Syndrome; Hereditary neoplastic syndrome; Neoplastic Syndromes, Hereditary. Identifiers: Orphanet 140162, MedGen C0027672, MeSH D009386, MONDO:0015356.

Submission:

Ambry Genetics
Classification: Uncertain significance for Hereditary cancer-predisposing syndrome. Last evaluated: 2025-11-24. Review status: criteria provided, single submitter. Criteria: Ambry Variant Classification Scheme 2023. Collection method: clinical testing. Allele origin: germline.
Comment: The p.P65L variant (also known as c.194C>T), located in coding exon 4 of the SMARCE1 gene, results from a C to T substitution at nucleotide position 194. The proline at codon 65 is replaced by leucine, an amino acid with similar properties. This amino acid position is conserved. In addition, the in silico prediction for this alteration is inconclusive. Based on the available evidence, the clinical significance of this variant remains unclear.

NM_003079.5(SMARCE1):c.194C>T (p.Pro65Leu)

Gene: SMARCE1 (SWI/SNF related BAF chromatin remodeling complex subunit E1; minus strand). Cytogenetic location: 17q21.2.
Variant type: single nucleotide variant.
Coding change: c.194C>T on transcript NM_003079.5 (MANE Select); coding-DNA position 194, C replaced by T.
Protein change: p.Pro65Leu; replaces proline 65 with leucine.
Molecular consequence: missense variant.
Genome position (GRCh38, 1-based): chr17:40,637,535, G>A on the plus strand (C>T on the coding strand, the complement: SMARCE1 is on the minus strand). VCF-style: chr17-40637535-G-A. GRCh37 (hg19) VCF-style: chr17-38793787-G-A.
Other names: short protein forms P65L.
Identifiers: ClinVar variation 4550597 (VCV004550597.1).
Genomic context (GRCh38, chr17:40,637,535, plus strand): 5'-AGGTCCTAAGCACCTACCTTTCTGCTGTACCTCATGTAGGGCATCAGCGGCTTATCTGGT[G>A]GCTTTGGGGGTTTTGGAATCGTGATACCAGAGGATGCCTACGAAAGAGTTAAATACATTC-3'
Protein context (NP_003070.3, residues 55-75): SGITIPKPPK[Pro65Leu]PDKPLMPYMR